The following is an entry in ClinVar:

NM_005732.4(RAD50):c.3521C>G (p.Ser1174Ter)

Genes: TH2-LCR (Th2 cytokine locus control region; plus strand), RAD50 (RAD50 double strand break repair protein; plus strand), TH2LCRR (T helper type 2 locus control region associated RNA; minus strand). Cytogenetic location: 5q31.1.
Variant type: single nucleotide variant.
Coding change: c.3521C>G on transcript NM_005732.4 (MANE Select); coding-DNA position 3521, C replaced by G.
Protein change: p.Ser1174Ter; replaces serine 1174 with a stop codon.
Molecular consequence: nonsense. On other transcripts: non-coding transcript variant (2).
Genome position (GRCh38, 1-based): chr5:132,638,126, C>G. VCF-style: chr5-132638126-C-G. GRCh37 (hg19) VCF-style: chr5-131973818-C-G.
Other names: short protein forms S1174*.
Identifiers: ClinVar variation 2586249 (VCV002586249.2), dbSNP rs2479427653, ClinGen allele CA360931361.

ClinVar aggregate classification (germline): Pathogenic (1 of 4 stars; one submission).

Conditions:
Hereditary cancer-predisposing syndrome. Also called: Hereditary neoplastic syndrome; Tumor predisposition; Hereditary Cancer Syndrome; Neoplastic Syndromes, Hereditary. Identifiers: Orphanet 140162, MedGen C0027672, MeSH D009386, MONDO:0015356.

Submission:

Ambry Genetics
Classification: Pathogenic for Hereditary cancer-predisposing syndrome. Last evaluated: 2023-08-24. Review status: criteria provided, single submitter. Criteria: Ambry Variant Classification Scheme 2023. Collection method: clinical testing. Allele origin: germline.
Comment: The p.S1174* variant (also known as c.3521C>G), located in coding exon 23 of the RAD50 gene, results from a C to G substitution at nucleotide position 3521. This changes the amino acid from a serine to a stop codon within coding exon 23. This variant is considered to be rare based on population cohorts in the Genome Aggregation Database (gnomAD). This alteration is expected to result in loss of function by premature protein truncation or nonsense-mediated mRNA decay. As such, this alteration is interpreted as a disease-causing mutation.